The following is an entry in ClinVar:

NM_005984.5(SLC25A1):c.302+7C>A

Gene: SLC25A1 (solute carrier family 25 member 1; minus strand). Cytogenetic location: 22q11.21.
Variant type: single nucleotide variant.
Coding change: c.302+7C>A on transcript NM_005984.5 (MANE Select); 7 bases into the intron after coding-DNA position 302, C replaced by A.
Molecular consequence: intron variant.
Genome position (GRCh38, 1-based): chr22:19,177,935, G>T on the plus strand (C>A on the coding strand, the complement: SLC25A1 is on the minus strand). VCF-style: chr22-19177935-G-T. GRCh37 (hg19) VCF-style: chr22-19165448-G-T.
Other names: c.-8+7C>A (NM_001287387.2); c.323+7C>A (NM_001256534.2).
Identifiers: ClinVar variation 511392 (VCV000511392.1), dbSNP rs1484187505, ClinGen allele CA638503408.
Genomic context (GRCh38, chr22:19,177,935, plus strand): 5'-GGAGGCGGGTGAGAGGGGCTGCCGCGGCCGAGCCCCCCTCCCGCAGCAGCCACCGGCCGG[G>T]CCTCACCTGACGGCCGCCTTGGGGATGGAACCGTAGAGCAGGGAGCTAAGGCCGCGGTAC-3'

ClinVar aggregate classification (germline): Likely benign (1 of 4 stars; one submission).

Allele frequency attached by ClinVar (database versions not stated): gnomAD exomes below 0.00001; gnomAD 0.00001; TOPMed 0.00001.
gnomAD v4.1: 3 of 1,593,740 alleles (0.00019%); no homozygotes.

Submission:

GeneDx
Classification: Likely benign. Last evaluated: 2017-08-24. Review status: criteria provided, single submitter. Criteria: GeneDx Variant Classification (06012015). Collection method: clinical testing. Allele origin: germline. Affected: yes.
Comment: This variant is considered likely benign or benign based on one or more of the following criteria: it is a conservative change, it occurs at a poorly conserved position in the protein, it is predicted to be benign by multiple in silico algorithms, and/or has population frequency not consistent with disease.